The following is an entry in ClinVar:

ClinVar aggregate classification (germline): Uncertain significance (1 of 4 stars; one submission).

gnomAD v4.1: 44 of 1,613,126 alleles (0.0027%); highest among the groups gnomAD compares: Non-Finnish European, 0.0036%; no homozygotes.

Submission:

Labcorp Genetics (formerly Invitae), Labcorp
Classification: Uncertain significance. Last evaluated: 2024-05-28. Review status: criteria provided, single submitter. Criteria: Invitae Variant Classification Sherloc (09022015). Collection method: clinical testing. Allele origin: germline.
Comment: This sequence change replaces aspartic acid, which is acidic and polar, with histidine, which is basic and polar, at codon 517 of the TCF12 protein (p.Asp517His). This variant is present in population databases (rs146437796, gnomAD 0.007%). This variant has not been reported in the literature in individuals affected with TCF12-related conditions. Advanced modeling of protein sequence and biophysical properties (such as structural, functional, and spatial information, amino acid conservation, physicochemical variation, residue mobility, and thermodynamic stability) has been performed at Invitae for this missense variant, however the output from this modeling did not meet the statistical confidence thresholds required to predict the impact of this variant on TCF12 protein function. In summary, the available evidence is currently insufficient to determine the role of this variant in disease. Therefore, it has been classified as a Variant of Uncertain Significance.

NM_207037.2(TCF12):c.1549G>C (p.Asp517His)

Gene: TCF12 (transcription factor 12; plus strand). Cytogenetic location: 15q21.3.
Variant type: single nucleotide variant.
Coding change: c.1549G>C on transcript NM_207037.2 (MANE Select); coding-DNA position 1549, G replaced by C.
Protein change: p.Asp517His; replaces aspartic acid 517 with histidine.
Molecular consequence: missense variant.
Genome position (GRCh38, 1-based): chr15:57,262,175, G>C. VCF-style: chr15-57262175-G-C. GRCh37 (hg19) VCF-style: chr15-57554373-G-C.
Other names: c.1039G>C, p.Asp347His (NM_001306219.3); c.769G>C, p.Asp257His (NM_001306220.3); c.1549G>C, p.Asp517His (NM_001322151.2, NM_001322152.2, NM_001322159.3 and 2 more transcripts); c.892G>C, p.Asp298His (NM_001322154.2); c.1375G>C, p.Asp459His (NM_001322156.2); c.1477G>C, p.Asp493His (NM_001322157.3, NM_001322165.2, NM_003205.4 and 1 more transcripts); c.1303G>C, p.Asp435His (NM_001322158.2); c.1546G>C, p.Asp516His (NM_001322161.2); and 2 more; short protein forms D257H, D516H, D298H, D517H, D323H, D347H, D435H, D459H.
Identifiers: ClinVar variation 3709562 (VCV003709562.2).